The following is an entry in ClinVar:

ClinVar aggregate classification (germline): Benign/Likely benign. Review status: criteria provided, multiple submitters, no conflicts (2 of 4 stars). 3 submissions from 3 submitters: Benign (1); Likely benign (2). Last evaluated 2026-07-08.

Conditions:
Hereditary cancer-predisposing syndrome. Also called: Hereditary Cancer Syndrome; Hereditary neoplastic syndrome; Neoplastic Syndromes, Hereditary; Tumor predisposition. Identifiers: Orphanet 140162, MedGen C0027672, MeSH D009386, MONDO:0015356.
Rhabdoid tumor predisposition syndrome 2 (RTPS2). Identifiers: Orphanet 231108, Orphanet 69077, MedGen C2750074, MONDO:0013224, OMIM 613325.

Allele frequency attached by ClinVar (database versions not stated): gnomAD exomes below 0.00001.
gnomAD v4.1: 2 of 1,613,836 alleles (0.00012%); highest among the groups gnomAD compares: Non-Finnish European, 0.00017%; no homozygotes.

Submissions (3):

Myriad Genetics, Inc.
Classification: Benign for Rhabdoid tumor predisposition syndrome 2. Last evaluated: 2026-07-08. Review status: criteria provided, single submitter. Criteria: Myriad Autosomal Dominant, Autosomal Recessive and X-Linked Classification Criteria (2023). Collection method: clinical testing. Allele origin: unknown.
Comment: This variant is considered benign. This variant is a silent/synonymous amino acid change and it is not expected to impact splicing.

Labcorp Genetics (formerly Invitae), Labcorp
Classification: Likely benign for Rhabdoid tumor predisposition syndrome 2. Last evaluated: 2025-12-24. Review status: criteria provided, single submitter. Criteria: Invitae Variant Classification Sherloc (09022015). Collection method: clinical testing. Allele origin: germline.

Ambry Genetics
Classification: Likely benign for Hereditary cancer-predisposing syndrome. Last evaluated: 2020-07-31. Review status: criteria provided, single submitter. Criteria: Ambry Variant Classification Scheme 2023. Collection method: clinical testing. Allele origin: germline.

NM_003072.5(SMARCA4):c.444G>T (p.Gly148=)

Gene: SMARCA4 (SWI/SNF related BAF chromatin remodeling complex subunit ATPase 4; plus strand). Cytogenetic location: 19p13.2.
Variant type: single nucleotide variant.
Coding change: c.444G>T on transcript NM_003072.5 (MANE Select); coding-DNA position 444, G replaced by T.
Protein change: p.Gly148=; no amino-acid change (glycine 148 retained).
Molecular consequence: synonymous variant. On other transcripts: non-coding transcript variant (1).
Genome position (GRCh38, 1-based): chr19:10,986,277, G>T. VCF-style: chr19-10986277-G-T. GRCh37 (hg19) VCF-style: chr19-11096953-G-T.
Other names: c.444G>T, p.Gly148= (NM_001128844.3, NM_001128845.2, NM_001128846.2 and 5 more transcripts).
Identifiers: ClinVar variation 1103761 (VCV001103761.12), dbSNP rs2086023648, ClinGen allele CA505488654.